The following is an entry in ClinVar:

ClinVar aggregate classification (germline): Uncertain significance (1 of 4 stars; one submission).

Conditions:
Hereditary cancer-predisposing syndrome. Also called: Neoplastic Syndromes, Hereditary; Tumor predisposition; Hereditary Cancer Syndrome; Hereditary neoplastic syndrome. Identifiers: Orphanet 140162, MedGen C0027672, MeSH D009386, MONDO:0015356.

Submission:

Ambry Genetics
Classification: Uncertain significance for Hereditary cancer-predisposing syndrome. Last evaluated: 2026-01-13. Review status: criteria provided, single submitter. Criteria: Ambry Variant Classification Scheme 2023. Collection method: clinical testing. Allele origin: germline.
Comment: The p.T402P variant (also known as c.1204A>C), located in coding exon 10 of the EGFR gene, results from an A to C substitution at nucleotide position 1204. The threonine at codon 402 is replaced by proline, an amino acid with highly similar properties. This amino acid position is conserved. In addition, the in silico prediction for this alteration is inconclusive. Based on the available evidence, the clinical significance of this variant remains unclear.

NM_005228.5(EGFR):c.1204A>C (p.Thr402Pro)

Genes: EGFR (epidermal growth factor receptor; plus strand), LOC126860048 (P300/CBP strongly-dependent group 1 enhancer GRCh37_chr7:55223847-55225046; plus strand). Cytogenetic location: 7p11.2.
Variant type: single nucleotide variant.
Coding change: c.1204A>C on transcript NM_005228.5 (MANE Select); coding-DNA position 1204, A replaced by C.
Protein change: p.Thr402Pro; replaces threonine 402 with proline.
Molecular consequence: missense variant.
Genome position (GRCh38, 1-based): chr7:55,156,829, A>C. VCF-style: chr7-55156829-A-C. GRCh37 (hg19) VCF-style: chr7-55224522-A-C.
Other names: c.1069A>C, p.Thr357Pro (NM_001346897.2, NM_001346899.2); c.1204A>C, p.Thr402Pro (NM_001346898.2, NM_201282.2, NM_201283.2 and 1 more transcripts); c.1045A>C, p.Thr349Pro (NM_001346900.2); c.403A>C, p.Thr135Pro (NM_001346941.2); short protein forms T135P, T357P, T349P, T402P.
Identifiers: ClinVar variation 4842929 (VCV004842929.1).
Genomic context (GRCh38, chr7:55,156,829, plus strand): 5'-ACACATACTCCTCCTCTGGATCCACAGGAACTGGATATTCTGAAAACCGTAAAGGAAATC[A>C]CAGGTTTGAGCTGAATTATCACATGAATATAAATGGGAAATCAGTGTTTTAGAGAGAGAA-3'
Protein context (NP_005219.2, residues 392-412): LDILKTVKEI[Thr402Pro]GFLLIQAWPE